The following is an entry in ClinVar:

NM_144997.7(FLCN):c.384C>G (p.Ser128Arg)

Gene: FLCN (folliculin; minus strand). Cytogenetic location: 17p11.2.
Variant type: single nucleotide variant.
Coding change: c.384C>G on transcript NM_144997.7 (MANE Select); coding-DNA position 384, C replaced by G.
Protein change: p.Ser128Arg; replaces serine 128 with arginine.
Molecular consequence: missense variant.
Genome position (GRCh38, 1-based): chr17:17,226,188, G>C on the plus strand (C>G on the coding strand, the complement: FLCN is on the minus strand). VCF-style: chr17-17226188-G-C. GRCh37 (hg19) VCF-style: chr17-17129502-G-C.
Other names: c.384C>G, p.Ser128Arg (NM_001353229.2, NM_001353230.2, NM_001353231.2 and 1 more transcripts); short protein forms S128R.
Identifiers: ClinVar variation 2090571 (VCV002090571.5), dbSNP rs1597612670, ClinGen allele CA398534700.

ClinVar aggregate classification (germline): Uncertain significance. Review status: criteria provided, multiple submitters, no conflicts (2 of 4 stars). 2 submissions from 2 submitters: Uncertain significance (2). Last evaluated 2025-11-09.

Conditions:
Birt-Hogg-Dube syndrome. Also called: Birt Hogg Dubé syndrome. Identifiers: Orphanet 122, MedGen C0346010, MONDO:0800444.
Hereditary cancer-predisposing syndrome. Also called: Tumor predisposition; Neoplastic Syndromes, Hereditary; Hereditary neoplastic syndrome; Hereditary Cancer Syndrome. Identifiers: Orphanet 140162, MedGen C0027672, MeSH D009386, MONDO:0015356.

Allele frequency attached by ClinVar (database versions not stated): gnomAD exomes below 0.00001.
gnomAD v4.1: 4 of 1,614,108 alleles (0.00025%); highest among the groups gnomAD compares: Non-Finnish European, 0.00034%; no homozygotes.

Submissions (2):

Labcorp Genetics (formerly Invitae), Labcorp
Classification: Uncertain significance for Birt-Hogg-Dube syndrome. Last evaluated: 2025-11-09. Review status: criteria provided, single submitter. Criteria: Invitae Variant Classification Sherloc (09022015). Collection method: clinical testing. Allele origin: germline.
Comment: This sequence change replaces serine, which is neutral and polar, with arginine, which is basic and polar, at codon 128 of the FLCN protein (p.Ser128Arg). This variant is not present in population databases (gnomAD no frequency). This variant has not been reported in the literature in individuals affected with FLCN-related conditions. ClinVar contains an entry for this variant (Variation ID: 2090571). Invitae Evidence Modeling of protein sequence and biophysical properties (such as structural, functional, and spatial information, amino acid conservation, physicochemical variation, residue mobility, and thermodynamic stability) indicates that this missense variant is expected to disrupt FLCN protein function with a positive predictive value of 80%. In summary, the available evidence is currently insufficient to determine the role of this variant in disease. Therefore, it has been classified as a Variant of Uncertain Significance.

Ambry Genetics
Classification: Uncertain significance for Hereditary cancer-predisposing syndrome. Last evaluated: 2025-07-23. Review status: criteria provided, single submitter. Criteria: Ambry Variant Classification Scheme 2023. Collection method: clinical testing. Allele origin: germline.
Comment: The p.S128R variant (also known as c.384C>G), located in coding exon 2 of the FLCN gene, results from a C to G substitution at nucleotide position 384. The serine at codon 128 is replaced by arginine, an amino acid with dissimilar properties. This variant was reported in an individual with renal biopsy suggesting renal oncocytosis or chromophobe renal cell carcinoma, but this individual had no history of fibrofolliculoma, lung cyst, or pneumothorax (Al-Shinnag M et al. Front Oncol, 2021 Sep;11:738822). This amino acid position is highly conserved in available vertebrate species. In addition, this alteration is predicted to be deleterious by in silico analysis. Based on the available evidence, the clinical significance of this variant remains unclear.

Literature cited by the submitters: PubMed 34604083 (cited by Ambry Genetics).